The following is an entry in ClinVar:

NM_006939.4(SOS2):c.866C>T (p.Ala289Val)

Gene: SOS2 (SOS Ras/Rho guanine nucleotide exchange factor 2; minus strand). Cytogenetic location: 14q21.3.
Variant type: single nucleotide variant.
Coding change: c.866C>T on transcript NM_006939.4 (MANE Select); coding-DNA position 866, C replaced by T.
Protein change: p.Ala289Val; replaces alanine 289 with valine.
Molecular consequence: missense variant.
Genome position (GRCh38, 1-based): chr14:50,180,675, G>A on the plus strand (C>T on the coding strand, the complement: SOS2 is on the minus strand). VCF-style: chr14-50180675-G-A. GRCh37 (hg19) VCF-style: chr14-50647393-G-A.
Other names: c.866C>T, p.Ala289Val (NM_001411020.1); short protein forms A289V.
Identifiers: ClinVar variation 1805936 (VCV001805936.2), dbSNP rs2503093935, ClinGen allele CA389647128.
Genomic context (GRCh38, chr14:50,180,675, plus strand): 5'-AAATGTTCATGAAACTCTGGTGAAAGAATGTCCTGTGATAATGTTTCATAAGGATCAAAT[G>A]CTTGCTCCTATTTTTTTAAAAAGAGAAAAAGCATTAGGTTTAAAAGAATATATTTTCTAC-3'
Protein context (NP_008870.2, residues 279-299): SCFEDLAEEQ[Ala289Val]FDPYETLSQD

ClinVar aggregate classification (germline): Uncertain significance (1 of 4 stars; one submission).

Conditions:
Noonan syndrome 9 (NS9). Identifiers: Orphanet 648, MedGen C4225282, MONDO:0014691, OMIM 616559.

Submission:

Victorian Clinical Genetics Services, Murdoch Childrens Research Institute
Classification: Uncertain significance for Noonan syndrome 9. Last evaluated: 2023-07-17. Review status: criteria provided, single submitter. Criteria: ACMG Guidelines, 2015. Collection method: clinical testing. Allele origin: germline. Inheritance: Autosomal dominant inheritance. Affected: yes.
Comment: Based on the classification scheme VCGS_Germline_v1.3.4, this variant is classified as VUS-3C. Following criteria are met: 0101 - Gain of function is a known mechanism of disease in this gene and is associated with Noonan syndrome 9 (MIM#616559) (PMID: 26173643). (I) 0107 - This gene is associated with autosomal dominant disease. (I) 0115 - Variants in this gene are known to have variable expressivity. Parents are often diagnosed after a pathogenic variant is detected in a more severely affected child (GeneReviews). (I) 0200 - Variant is predicted to result in a missense amino acid change from alanine to valine. (I) 0251 - This variant is heterozygous. (I) 0301 - Variant is absent from gnomAD (both v2 and v3). (SP) 0502 - Missense variant with conflicting in silico predictions and uninformative conservation. (I) 0603 - Missense variant in a region that is highly intolerant to missense variation (high constraint region in DECIPHER). (SP) 0705 - No comparable missense variants have previous evidence for pathogenicity. (I) 0807 - This variant has no previous evidence of pathogenicity. (I) 0905 - No published segregation evidence has been identified for this variant. (I) 1007 - No published functional evidence has been identified for this variant. (I) Legend: (SP) - Supporting pathogenic, (I) - Information, (SB) - Supporting benign

Literature cited by the submitters: PubMed 26173643.